The following is an entry in ClinVar:

ClinVar aggregate classification (germline): Uncertain significance (1 of 4 stars; one submission).

Conditions:
Inborn genetic diseases. Identifiers: MedGen C0950123, MeSH D030342.

Submission:

Ambry Genetics
Classification: Uncertain significance for Inborn genetic diseases. Last evaluated: 2025-10-14. Review status: criteria provided, single submitter. Criteria: Ambry Variant Classification Scheme 2023. Collection method: clinical testing. Allele origin: germline.
Comment: The p.E877Q variant (also known as c.2629G>C), located in coding exon 13 of the ASXL1 gene, results from a G to C substitution at nucleotide position 2629. The glutamic acid at codon 877 is replaced by glutamine, an amino acid with highly similar properties. This amino acid position is conserved. In addition, this alteration is predicted to be tolerated by in silico analysis. Based on the available evidence, the clinical significance of this variant remains unclear.

NM_015338.6(ASXL1):c.2629G>C (p.Glu877Gln)

Gene: ASXL1 (ASXL transcriptional regulator 1; plus strand). Cytogenetic location: 20q11.21.
Variant type: single nucleotide variant.
Coding change: c.2629G>C on transcript NM_015338.6 (MANE Select); coding-DNA position 2629, G replaced by C.
Protein change: p.Glu877Gln; replaces glutamic acid 877 with glutamine.
Molecular consequence: missense variant.
Genome position (GRCh38, 1-based): chr20:32,435,341, G>C. VCF-style: chr20-32435341-G-C. GRCh37 (hg19) VCF-style: chr20-31023144-G-C.
Other names: c.2446G>C, p.Glu816Gln (NM_001363734.1); short protein forms E816Q, E877Q.
Identifiers: ClinVar variation 4587854 (VCV004587854.1).